The following is an entry in ClinVar:

ClinVar aggregate classification (germline): Uncertain significance. Review status: criteria provided, multiple submitters, no conflicts (2 of 4 stars). 2 submissions from 2 submitters: Uncertain significance (2). Last evaluated 2024-08-21.

Conditions:
Cardiovascular phenotype. Identifiers: MedGen CN230736.
Hereditary cancer-predisposing syndrome. Also called: Neoplastic Syndromes, Hereditary; Tumor predisposition; Hereditary Cancer Syndrome; Hereditary neoplastic syndrome. Identifiers: Orphanet 140162, MedGen C0027672, MeSH D009386, MONDO:0015356.
Neurofibromatosis, type 1 (NF1). Also called: VON RECKLINGHAUSEN DISEASE; NEUROFIBROMATOSIS, TYPE I, SOMATIC; Neurofibromatosis, type I; Peripheral type neurofibromatosis. Identifiers: Orphanet 636, MedGen C0027831, MONDO:0018975, OMIM 162200. Disease mechanism: loss of function.

Submissions (2):

Ambry Genetics
Classification: Uncertain significance for Cardiovascular phenotype; Hereditary cancer-predisposing syndrome. Last evaluated: 2024-08-21. Review status: criteria provided, single submitter. Criteria: Ambry Variant Classification Scheme 2023. Collection method: clinical testing. Allele origin: germline.
Comment: The p.Y1044H variant (also known as c.3130T>C), located in coding exon 24 of the NF1 gene, results from a T to C substitution at nucleotide position 3130. The tyrosine at codon 1044 is replaced by histidine, an amino acid with similar properties. This amino acid position is highly conserved in available vertebrate species. In addition, the in silico prediction for this alteration is inconclusive. Based on the available evidence, the clinical significance of this variant remains unclear.

Labcorp Genetics (formerly Invitae), Labcorp
Classification: Uncertain significance for Neurofibromatosis, type 1. Last evaluated: 2024-07-11. Review status: criteria provided, single submitter. Criteria: Invitae Variant Classification Sherloc (09022015). Collection method: clinical testing. Allele origin: germline.
Comment: This sequence change replaces tyrosine, which is neutral and polar, with histidine, which is basic and polar, at codon 1044 of the NF1 protein (p.Tyr1044His). This variant is not present in population databases (gnomAD no frequency). This variant has not been reported in the literature in individuals affected with NF1-related conditions. ClinVar contains an entry for this variant (Variation ID: 1727966). Advanced modeling of protein sequence and biophysical properties (such as structural, functional, and spatial information, amino acid conservation, physicochemical variation, residue mobility, and thermodynamic stability) performed at Invitae indicates that this missense variant is expected to disrupt NF1 protein function with a positive predictive value of 80%. In summary, the available evidence is currently insufficient to determine the role of this variant in disease. Therefore, it has been classified as a Variant of Uncertain Significance.

NM_001042492.3(NF1):c.3130T>C (p.Tyr1044His)

Gene: NF1 (neurofibromin 1; plus strand). Cytogenetic location: 17q11.2.
Variant type: single nucleotide variant.
Coding change: c.3130T>C on transcript NM_001042492.3 (MANE Select); coding-DNA position 3130, T replaced by C.
Protein change: p.Tyr1044His; replaces tyrosine 1044 with histidine.
Molecular consequence: missense variant.
Genome position (GRCh38, 1-based): chr17:31,230,858, T>C. VCF-style: chr17-31230858-T-C. GRCh37 (hg19) VCF-style: chr17-29557876-T-C.
Other names: c.3130T>C, p.Tyr1044His (NM_000267.4); short protein forms Y1044H.
Identifiers: ClinVar variation 1727966 (VCV001727966.5), dbSNP rs1597717533, ClinGen allele CA398987917.